The following is an entry in ClinVar:

NM_015450.3(POT1):c.1658G>A (p.Gly553Glu)

Gene: POT1 (protection of telomeres 1; minus strand). Cytogenetic location: 7q31.33.
Variant type: single nucleotide variant.
Coding change: c.1658G>A on transcript NM_015450.3 (MANE Select); coding-DNA position 1658, G replaced by A.
Protein change: p.Gly553Glu; replaces glycine 553 with glutamic acid.
Molecular consequence: missense variant. On other transcripts: non-coding transcript variant (3).
Genome position (GRCh38, 1-based): chr7:124,827,242, C>T on the plus strand (G>A on the coding strand, the complement: POT1 is on the minus strand). VCF-style: chr7-124827242-C-T. GRCh37 (hg19) VCF-style: chr7-124467296-C-T.
Other names: c.1265G>A, p.Gly422Glu (NM_001042594.2); short protein forms G422E, G553E.
Identifiers: ClinVar variation 658464 (VCV000658464.11), dbSNP rs1584747757, ClinGen allele CA369062972.

ClinVar aggregate classification (germline): Uncertain significance. Review status: criteria provided, multiple submitters, no conflicts (2 of 4 stars). 2 submissions from 2 submitters: Uncertain significance (2). Last evaluated 2023-11-05.

Conditions:
Tumor predisposition syndrome 3 (TPDS3). Also called: Melanoma, cutaneous malignant, susceptibility to, 10; Glioma susceptibility 9; LONG TELOMERE SYNDROME, POT1-RELATED; POT1 Tumor Predisposition. Identifiers: Orphanet 618, MedGen C4014476, MONDO:0014368, OMIM 615848.
Hereditary cancer-predisposing syndrome. Also called: Tumor predisposition; Neoplastic Syndromes, Hereditary; Hereditary Cancer Syndrome; Hereditary neoplastic syndrome. Identifiers: Orphanet 140162, MedGen C0027672, MeSH D009386, MONDO:0015356.

Submissions (2):

Ambry Genetics
Classification: Uncertain significance for Hereditary cancer-predisposing syndrome. Last evaluated: 2023-11-05. Review status: criteria provided, single submitter. Criteria: Ambry Variant Classification Scheme 2023. Collection method: clinical testing. Allele origin: germline.
Comment: The p.G553E variant (also known as c.1658G>A), located in coding exon 13 of the POT1 gene, results from a G to A substitution at nucleotide position 1658. The glycine at codon 553 is replaced by glutamic acid, an amino acid with similar properties. This amino acid position is highly conserved in available vertebrate species. In addition, this alteration is predicted to be deleterious by in silico analysis. Since supporting evidence is limited at this time, the clinical significance of this alteration remains unclear.

Labcorp Genetics (formerly Invitae), Labcorp
Classification: Uncertain significance for Tumor predisposition syndrome 3. Last evaluated: 2022-02-09. Review status: criteria provided, single submitter. Criteria: Invitae Variant Classification Sherloc (09022015). Collection method: clinical testing. Allele origin: germline.
Comment: In summary, the available evidence is currently insufficient to determine the role of this variant in disease. Therefore, it has been classified as a Variant of Uncertain Significance. Algorithms developed to predict the effect of missense changes on protein structure and function (SIFT, PolyPhen-2, Align-GVGD) all suggest that this variant is likely to be disruptive. ClinVar contains an entry for this variant (Variation ID: 658464). This variant has not been reported in the literature in individuals affected with POT1-related conditions. This variant is not present in population databases (gnomAD no frequency). This sequence change replaces glycine, which is neutral and non-polar, with glutamic acid, which is acidic and polar, at codon 553 of the POT1 protein (p.Gly553Glu).